The following is an entry in ClinVar:

NM_006231.4(POLE):c.3117G>A (p.Met1039Ile)

Gene: POLE (DNA polymerase epsilon, catalytic subunit; minus strand). Cytogenetic location: 12q24.33.
Variant type: single nucleotide variant.
Coding change: c.3117G>A on transcript NM_006231.4 (MANE Select); coding-DNA position 3117, G replaced by A.
Protein change: p.Met1039Ile; replaces methionine 1039 with isoleucine.
Molecular consequence: missense variant.
Genome position (GRCh38, 1-based): chr12:132,659,453, C>T on the plus strand (G>A on the coding strand, the complement: POLE is on the minus strand). VCF-style: chr12-132659453-C-T. GRCh37 (hg19) VCF-style: chr12-133236039-C-T.
Other names: short protein forms M1039I.
Identifiers: ClinVar variation 4744447 (VCV004744447.1).
Genomic context (GRCh38, chr12:132,659,453, plus strand): 5'-GCGCTTTGCTGTGCTGATGGACGTAGACTTCTGCTCCCCGTAATCTTCCAGCTTCCGAGA[C>T]ATGGAACGGTTCTCAGAGATGAGCTCGAATAGCTCAGAGTCAGGCATGTTGGCTGCCTAG-3'
Protein context (NP_006222.2, residues 1029-1049): LFELISENRS[Met1039Ile]SRKLEDYGEQ

ClinVar aggregate classification (germline): Uncertain significance (1 of 4 stars; one submission).

Submission:

Labcorp Genetics (formerly Invitae), Labcorp
Classification: Uncertain significance. Last evaluated: 2025-08-09. Review status: criteria provided, single submitter. Criteria: Invitae Variant Classification Sherloc (09022015). Collection method: clinical testing. Allele origin: germline.
Comment: This sequence change replaces methionine, which is neutral and non-polar, with isoleucine, which is neutral and non-polar, at codon 1039 of the POLE protein (p.Met1039Ile). This variant is not present in population databases (gnomAD no frequency). This variant has not been reported in the literature in individuals affected with POLE-related conditions. Invitae Evidence Modeling of protein sequence and biophysical properties (such as structural, functional, and spatial information, amino acid conservation, physicochemical variation, residue mobility, and thermodynamic stability) indicates that this missense variant is expected to disrupt POLE protein function with a positive predictive value of 80%. In summary, the available evidence is currently insufficient to determine the role of this variant in disease. Therefore, it has been classified as a Variant of Uncertain Significance.